The following is an entry in ClinVar:

ClinVar aggregate classification (germline): Uncertain significance. Review status: criteria provided, multiple submitters, no conflicts (2 of 4 stars). 3 submissions from 3 submitters: Uncertain significance (3). Last evaluated 2024-09-27.

Conditions:
COG4-congenital disorder of glycosylation. Also called: COG4-CDG; CONGENITAL DISORDER OF GLYCOSYLATION, TYPE IIj; CDG IIj. Identifiers: Orphanet 263501, MedGen C4303552, MONDO:0013281, OMIM 613489.
Inborn genetic diseases. Identifiers: MedGen C0950123, MeSH D030342.

Allele frequency attached by ClinVar (database versions not stated): ExAC 0.00006; gnomAD 0.00013; ESP Exome Variant Server 0.00015; 1000 Genomes Project 30x 0.00016; 1000 Genomes Project 0.00020.
gnomAD v4.1: 187 of 1,614,092 alleles (0.012%); highest among the groups gnomAD compares: Non-Finnish European, 0.014%; no homozygotes.

Submissions (3):

Labcorp Genetics (formerly Invitae), Labcorp
Classification: Uncertain significance for COG4-congenital disorder of glycosylation. Last evaluated: 2024-09-27. Review status: criteria provided, single submitter. Criteria: Invitae Variant Classification Sherloc (09022015). Collection method: clinical testing. Allele origin: germline.
Comment: This sequence change replaces arginine, which is basic and polar, with cysteine, which is neutral and slightly polar, at codon 285 of the COG4 protein (p.Arg285Cys). This variant is present in population databases (rs201706508, gnomAD 0.01%). This variant has not been reported in the literature in individuals affected with COG4-related conditions. ClinVar contains an entry for this variant (Variation ID: 2374230). Invitae Evidence Modeling of protein sequence and biophysical properties (such as structural, functional, and spatial information, amino acid conservation, physicochemical variation, residue mobility, and thermodynamic stability) indicates that this missense variant is expected to disrupt COG4 protein function with a positive predictive value of 80%. In summary, the available evidence is currently insufficient to determine the role of this variant in disease. Therefore, it has been classified as a Variant of Uncertain Significance.

Blueprint Genetics
Classification: Uncertain significance. Last evaluated: 2024-01-08. Review status: criteria provided, single submitter. Criteria: ACMG Guidelines, 2015. Collection method: clinical testing. Allele origin: germline.

Ambry Genetics
Classification: Uncertain significance for Inborn genetic diseases. Last evaluated: 2021-07-06. Review status: criteria provided, single submitter. Criteria: Ambry Variant Classification Scheme 2023. Collection method: clinical testing. Allele origin: germline.

NM_015386.3(COG4):c.853C>T (p.Arg285Cys)

Gene: COG4 (component of oligomeric golgi complex 4; minus strand). Cytogenetic location: 16q22.1.
Variant type: single nucleotide variant.
Coding change: c.853C>T on transcript NM_015386.3 (MANE Select); coding-DNA position 853, C replaced by T.
Protein change: p.Arg285Cys; replaces arginine 285 with cysteine.
Molecular consequence: missense variant. On other transcripts: non-coding transcript variant (1).
Genome position (GRCh38, 1-based): chr16:70,509,380, G>A on the plus strand (C>T on the coding strand, the complement: COG4 is on the minus strand). VCF-style: chr16-70509380-G-A. GRCh37 (hg19) VCF-style: chr16-70543283-G-A.
Other names: c.841C>T, p.Arg281Cys (NM_001195139.2); c.427C>T, p.Arg143Cys (NM_001365426.1); short protein forms R281C, R285C, R143C.
Identifiers: ClinVar variation 2374230 (VCV002374230.5), dbSNP rs201706508, ClinGen allele CA8144546.
Genomic context (GRCh38, chr16:70,509,380, plus strand): 5'-TATAGAGTCTCCCTGGCCCATAATAGGTCTCCACTATTGGCTGGTGGGTCTCCACAATGC[G>A]GGCAATCCCTAGAAGGGAGGAAGCAATAGGGTTATATTCCAAGTATTCTTCCTACAAAAT-3'
Protein context (NP_056201.2, residues 275-295): TLTLLFEGIA[Arg285Cys]IVETHQPIVE